The following is an entry in ClinVar:

NM_000116.5(TAFAZZIN):c.543G>A (p.Gly181=)

Gene: TAFAZZIN (tafazzin, phospholipid-lysophospholipid transacylase; plus strand). Cytogenetic location: Xq28.
Variant type: single nucleotide variant.
Coding change: c.543G>A on transcript NM_000116.5 (MANE Select); coding-DNA position 543, G replaced by A.
Protein change: p.Gly181=; no amino-acid change (glycine 181 retained).
Molecular consequence: synonymous variant. On other transcripts: non-coding transcript variant (1), intron variant (3).
Genome position (GRCh38, 1-based): chrX:154,419,706, G>A. VCF-style: chrX-154419706-G-A. GRCh37 (hg19) VCF-style: chrX-153648045-G-A.
Other names: c.543G>A (NM_000116.3); c.453G>A, p.Gly151= (NM_181311.4); c.595+83G>A (NM_001303465.2); c.541+83G>A (NM_181312.4); c.451+83G>A (NM_181313.4).
Identifiers: ClinVar variation 531186 (VCV000531186.12), dbSNP rs782471244, ClinGen allele CA10562373.

ClinVar aggregate classification (germline): Likely benign. Review status: criteria provided, multiple submitters, no conflicts (2 of 4 stars). 4 submissions from 4 submitters: Likely benign (3). 1 of the submissions does not count toward it. Last evaluated 2026-01-20.

Conditions:
Cardiovascular phenotype. Identifiers: MedGen CN230736.
3-Methylglutaconic aciduria type 2 (BTHS). Also called: CARDIOSKELETAL MYOPATHY WITH NEUTROPENIA AND ABNORMAL MITOCHONDRIA; Barth syndrome. Identifiers: Orphanet 111, MedGen C0574083, MONDO:0010543, OMIM 302060.
TAFAZZIN-related disorder. Also called: TAFAZZIN-related condition; TAFAZZIN-Related Disorders.

Allele frequency attached by ClinVar (database versions not stated): gnomAD 0.00004; TOPMed 0.00008; gnomAD exomes 0.00010; ExAC 0.00013.

Submissions (4):

Labcorp Genetics (formerly Invitae), Labcorp
Classification: Likely benign for 3-Methylglutaconic aciduria type 2. Last evaluated: 2026-01-20. Review status: criteria provided, single submitter. Criteria: Invitae Variant Classification Sherloc (09022015). Collection method: clinical testing. Allele origin: germline.

Ambry Genetics
Classification: Likely benign for Cardiovascular phenotype. Last evaluated: 2023-11-26. Review status: criteria provided, single submitter. Criteria: Ambry Variant Classification Scheme 2023. Collection method: clinical testing. Allele origin: germline.

Blueprint Genetics
Classification: Likely benign. Last evaluated: 2023-09-22. Review status: criteria provided, single submitter. Criteria: ACMG Guidelines, 2015. Collection method: clinical testing. Allele origin: germline.

PreventionGenetics, part of Exact Sciences
Classification: Likely benign for TAFAZZIN-related condition. Last evaluated: 2022-09-06. Review status: no assertion criteria provided. Collection method: clinical testing. Allele origin: germline. Not counted in ClinVar's aggregate classification.
Comment: This variant is classified as likely benign based on ACMG/AMP sequence variant interpretation guidelines (Richards et al. 2015 PMID: 25741868, with internal and published modifications).